The following is an entry in ClinVar:

ClinVar aggregate classification (germline): Uncertain significance (1 of 4 stars; one submission).

Submission:

Labcorp Genetics (formerly Invitae), Labcorp
Classification: Uncertain significance. Last evaluated: 2021-12-23. Review status: criteria provided, single submitter. Criteria: Invitae Variant Classification Sherloc (09022015). Collection method: clinical testing. Allele origin: germline.
Comment: This variant has not been reported in the literature in individuals affected with MYO18B-related conditions. This variant is not present in population databases (gnomAD no frequency). This sequence change replaces threonine, which is neutral and polar, with serine, which is neutral and polar, at codon 266 of the MYO18B protein (p.Thr266Ser). Algorithms developed to predict the effect of missense changes on protein structure and function are either unavailable or do not agree on the potential impact of this missense change (SIFT: "Not Available"; PolyPhen-2: "Benign"; Align-GVGD: "Not Available"). In summary, the available evidence is currently insufficient to determine the role of this variant in disease. Therefore, it has been classified as a Variant of Uncertain Significance.

NM_032608.7(MYO18B):c.797C>G (p.Thr266Ser)

Gene: MYO18B (myosin XVIIIB; plus strand). Cytogenetic location: 22q12.1.
Variant type: single nucleotide variant.
Coding change: c.797C>G on transcript NM_032608.7 (MANE Select); coding-DNA position 797, C replaced by G.
Protein change: p.Thr266Ser; replaces threonine 266 with serine.
Molecular consequence: missense variant.
Genome position (GRCh38, 1-based): chr22:25,768,713, C>G. VCF-style: chr22-25768713-C-G. GRCh37 (hg19) VCF-style: chr22-26164680-C-G.
Other names: c.797C>G, p.Thr266Ser (NM_001318245.2); short protein forms T266S.
Identifiers: ClinVar variation 1964013 (VCV001964013.5), dbSNP rs2517656356, ClinGen allele CA411003486.